The following is an entry in ClinVar:

NM_001278716.2(FBXL4):c.1067del (p.Gly356fs)

Gene: FBXL4 (F-box and leucine rich repeat protein 4; minus strand). Cytogenetic location: 6q16.2.
Variant type: Deletion.
Coding change: c.1067del on transcript NM_001278716.2 (MANE Select); coding-DNA position 1067, one base deleted (G; older notation c.1067delG).
Protein change: p.Gly356fs; shifts the reading frame from glycine 356.
Molecular consequence: frameshift variant. On other transcripts: non-coding transcript variant (2).
Genome position (GRCh38, 1-based): chr6:98,905,462, C deleted on the plus strand (G on the coding strand, the reverse complement: FBXL4 is on the minus strand); the first of 2 consecutive C bases (chr6:98,905,462-98,905,463); deleting either gives the same sequence. VCF-style (leftmost placement, unchanged base first): chr6-98905461-GC-G. GRCh37 (hg19) VCF-style: chr6-99353337-GC-G.
Other names: p.Gly356AlafsTer15; c.1067delG (NM_012160.4); c.1067del, p.Gly356fs (NM_012160.5); short protein forms G356fs.
Identifiers: ClinVar variation 437498 (VCV000437498.12), dbSNP rs1554219474, ClinGen allele CA16021029.

ClinVar aggregate classification (germline): Pathogenic. Review status: criteria provided, multiple submitters, no conflicts (2 of 4 stars). 7 submissions from 7 submitters: Pathogenic (6). 1 of the submissions does not count toward it. Last evaluated 2024-10-21.

Conditions:
Mitochondrial DNA depletion syndrome 13. Also called: FBXL4-Related Encephalomyopathic Mitochondrial DNA Depletion Syndrome; Mitochondrial DNA depletion syndrome 13 (encephalomyopathic type). Identifiers: Orphanet 369897, MedGen C3809592, MONDO:0014198, OMIM 615471.

Submissions (7):

Labcorp Genetics (formerly Invitae), Labcorp
Classification: Pathogenic. Last evaluated: 2024-10-21. Review status: criteria provided, single submitter. Criteria: Invitae Variant Classification Sherloc (09022015). Collection method: clinical testing. Allele origin: germline.
Comment: This sequence change creates a premature translational stop signal (p.Gly356Alafs*15) in the FBXL4 gene. It is expected to result in an absent or disrupted protein product. Loss-of-function variants in FBXL4 are known to be pathogenic (PMID: 23993193, 23993194, 25868664). This variant is not present in population databases (gnomAD no frequency). This premature translational stop signal has been observed in individual(s) with mitochondrial encephalomyopathy (PMID: 23993194). ClinVar contains an entry for this variant (Variation ID: 437498). For these reasons, this variant has been classified as Pathogenic.

Dubai Health Genomic Medicine Center, Dubai Health
Classification: Pathogenic for Mitochondrial DNA depletion syndrome 13 (encephalomyopathic type). Last evaluated: 2024-10-04. Review status: criteria provided, single submitter. Criteria: ACMG Guidelines, 2015. Collection method: research. Allele origin: germline. Affected: yes.
Comment: PVS1,PM3(strong),PM2

Breakthrough Genomics
Classification: Pathogenic for Mitochondrial DNA depletion syndrome 13. Last evaluated: 2022-02-19. Review status: criteria provided, single submitter. Criteria: ACMG Guidelines, 2015. Collection method: clinical testing. Allele origin: germline. Affected: yes.
Comment: This variant was previously reported in the homozygous and compound heterozygous states in patients with symptoms that include early-onset lactic acidemia, hypotonia, encephalopathy, developmental delay, failure to thrive, microcephaly and defects in the respiratory chain [PMID: 25868664, 23993194, 25326635].

GeneDx
Classification: Pathogenic. Last evaluated: 2018-05-21. Review status: criteria provided, single submitter. Criteria: GeneDx Variant Classification (06012015). Collection method: clinical testing. Allele origin: germline. Affected: yes.
Comment: The c.1067delG variant has been reported previously in the homozygous and compound heterozygous states in patients with symptoms that include early-onset lactic acidemia, hypotonia, encephalopathy, developmental delay, failure to thrive, microcephaly and defects in the respiratory chain (Gai et al. 2013; Huemer et al. 2015; Al-Shamsi et al. 2016). The c.1067delG variant is not observed in large population cohorts (Lek et al., 2016). The c.1067delG variant causes a frameshift starting with codon Glycine 356, changes this amino acid to an Alanine residue and creates a premature Stop codon at position 15 of the new reading frame, denoted p.Gly356AlafsX15. This variant is predicted to cause loss of normal protein function either through protein truncation or nonsense-mediated mRNA decay. In summary, we interpret this variant as pathogenic.

Baylor Genetics
Classification: Pathogenic for Mitochondrial DNA depletion syndrome 13. Last evaluated: 2017-09-01. Review status: criteria provided, single submitter. Criteria: ACMG Guidelines, 2015. Collection method: clinical testing. Allele origin: germline. Inheritance: Autosomal recessive inheritance. Affected: yes.

Wong Mito Lab, Molecular and Human Genetics, Baylor College of Medicine
Classification: Pathogenic for Mitochondrial DNA depletion syndrome 13. Last evaluated: 2017-08-10. Review status: criteria provided, single submitter. Criteria: ACMG Guidelines, 2015. Collection method: clinical testing. Allele origin: germline. Affected: yes.
Comment: The NM_012160.4:c.1067del (NP_036292.2:p.Gly356AlafsTer15) [GRCH38: NC_000006.12:g.98905463del] variant in FBXL4 gene is interpretated to be a Pathogenic based on ACMG guidelines (PMID: 25741868). This variant has been reported in PMID:23993194 ; 25868664 . This variant meets one or more of the following evidence codes reported in the ACMG-guideline. PVS1:This variant is a predcted null variant in FBXL4 where loss of function is a known mechanism of disease. PM2:This variant is absent in key population databases. PM3:Detected in trans with a pathogenic variant for Mitochondrial DNA depletion syndrome 13 which is a recessive disorder. PP4:Patientâ€™s phenotype or family history is highly specific for FBXL4. Based on this evidence code ClinGen Pathogenicity Calculator (PMID:28081714) suggested that the variant is Pathogenic.

Mayo Clinic Laboratories, Mayo Clinic
Classification: Likely pathogenic. Last evaluated: 2016-03-08. Review status: no assertion criteria provided. Collection method: clinical testing. Allele origin: unknown. Not counted in ClinVar's aggregate classification.

Literature cited by the submitters: PubMed 23993193 (cited by Labcorp Genetics (formerly Invitae), Labcorp); PubMed 23993194 (cited by 3 submitters); PubMed 25868664 (cited by Labcorp Genetics (formerly Invitae), Labcorp and Wong Mito Lab, Molecular and Human Genetics, Baylor College of Medicine); PubMed 25326635 (cited by Baylor Genetics).